The following is an entry in ClinVar:

NM_022788.5(P2RY12):c.794G>C (p.Arg265Pro)

Genes: P2RY12 (purinergic receptor P2Y12; minus strand), MED12L (mediator complex subunit 12L; plus strand). Cytogenetic location: 3q25.1.
Variant type: single nucleotide variant.
Coding change: c.794G>C on transcript NM_022788.5 (MANE Select); coding-DNA position 794, G replaced by C.
Protein change: p.Arg265Pro; replaces arginine 265 with proline.
Molecular consequence: missense variant. On other transcripts: intron variant (2).
Genome position (GRCh38, 1-based): chr3:151,338,052, C>G on the plus strand (G>C on the coding strand, the complement: P2RY12 is on the minus strand). VCF-style: chr3-151338052-C-G. GRCh37 (hg19) VCF-style: chr3-151055840-C-G.
Other names: c.794G>C, p.Arg265Pro (NM_176876.3); c.2251-12007C>G (NM_001393769.1); c.2146-12007C>G (NM_053002.6); short protein forms R265P.
Identifiers: ClinVar variation 548443 (VCV000548443.5), dbSNP rs755459581, ClinGen allele CA2667801.
Genomic context (GRCh38, chr3:151,338,052, plus strand): 5'-CACAGAGTGCTCTCTTTCACATAGAACAGAGTATTTTCAGCAGTGCAGTCAAAGACATCC[C>G]GGGTTTGGCTCAGGGTGTAAGGAATTCGGGCAAAATGGAAAGGAACAAAACAAATAAAGA-3'
Protein context (NP_073625.1, residues 255-275): ARIPYTLSQT[Arg265Pro]DVFDCTAENT

ClinVar aggregate classification (germline): Pathogenic/Likely pathogenic. Review status: criteria provided, multiple submitters, no conflicts (2 of 4 stars). 3 submissions from 3 submitters: Pathogenic (2); Likely pathogenic (1). Last evaluated 2022-05-04.

Conditions:
Impaired ADP-induced platelet aggregation. Identifiers: MedGen C4025282, HP:0004866.
Platelet-type bleeding disorder 8 (BDPLT8). Also called: BLEEDING DISORDER DUE TO P2RY12 DEFECT; Bleeding disorder due to p2rx1 defect, somatic. Identifiers: Orphanet 36355, MedGen C1853278, MONDO:0012354, OMIM 609821.

Allele frequency attached by ClinVar (database versions not stated): gnomAD 0.00001 and 0.00002; TOPMed 0.00003.
gnomAD v4.1: 76 of 1,613,896 alleles (0.0047%); highest among the groups gnomAD compares: Non-Finnish European, 0.0062%; no homozygotes.

Submissions (3):

Mendelics
Classification: Pathogenic for Platelet-type bleeding disorder 8. Last evaluated: 2022-05-04. Review status: criteria provided, single submitter. Criteria: Mendelics Assertion Criteria 2019. Collection method: clinical testing. Allele origin: germline.

NIHR Bioresource Rare Diseases, University of Cambridge
Classification: Likely pathogenic for Impaired ADP-induced platelet aggregation. Last evaluated: 2019-02-01. Review status: criteria provided, single submitter. Criteria: ACMG Guidelines, 2015. Collection method: research. Allele origin: unknown. Affected: yes. Observed: 3 heterozygotes. Study: ThromboGenomics.

Northern Blood Research Centre, University of Sydney
Classification: Pathogenic for Platelet-type bleeding disorder 8. Last evaluated: 2017-05-25. Review status: criteria provided, single submitter. Criteria: Submitter's publication. Collection method: research. Allele origin: not applicable. Inheritance: Autosomal dominant inheritance.
Comment: This novel dominant negative variant confirms the important role of R265 in EL3 in the functional integrity of the P2Y12R and suggests that pathological heterodimer formation may underlie the observed bleeding phenotype in affected individuals.

Literature cited by the submitters: PubMed 31064749 (cited by NIHR Bioresource Rare Diseases, University of Cambridge).